The following is an entry in ClinVar:

ClinVar aggregate classification (germline): Uncertain significance (1 of 4 stars; one submission).

Conditions:
Hereditary cancer-predisposing syndrome. Also called: Hereditary neoplastic syndrome; Hereditary Cancer Syndrome; Neoplastic Syndromes, Hereditary; Tumor predisposition. Identifiers: Orphanet 140162, MedGen C0027672, MeSH D009386, MONDO:0015356.

Submission:

Color Diagnostics, LLC DBA Color Health
Classification: Uncertain significance for Hereditary cancer-predisposing syndrome. Last evaluated: 2024-03-06. Review status: criteria provided, single submitter. Criteria: ACMG Guidelines, 2015. Collection method: clinical testing. Allele origin: germline.
Comment: This missense variant replaces cysteine with serine at codon 353 of the ATM protein. Computational prediction is inconclusive regarding the impact of this variant on protein structure and function (internally defined REVEL score threshold 0.5 < inconclusive < 0.7, PMID: 27666373). To our knowledge, functional studies have not been reported for this variant. This variant has not been reported in individuals affected with hereditary cancer in the literature. This variant has not been identified in the general population by the Genome Aggregation Database (gnomAD). The available evidence is insufficient to determine the role of this variant in disease conclusively. Therefore, this variant is classified as a Variant of Uncertain Significance.

NM_000051.4(ATM):c.1058G>C (p.Cys353Ser)

Gene: ATM (ATM serine/threonine kinase; plus strand). Cytogenetic location: 11q22.3.
Variant type: single nucleotide variant.
Coding change: c.1058G>C on transcript NM_000051.4 (MANE Select); coding-DNA position 1058, G replaced by C.
Protein change: p.Cys353Ser; replaces cysteine 353 with serine.
Molecular consequence: missense variant.
Genome position (GRCh38, 1-based): chr11:108,247,120, G>C. VCF-style: chr11-108247120-G-C. GRCh37 (hg19) VCF-style: chr11-108117847-G-C.
Other names: c.1058G>C, p.Cys353Ser (NM_001351834.2); short protein forms C353S.
Identifiers: ClinVar variation 2774046 (VCV002774046.2), dbSNP rs1591511538, ClinGen allele CA382531820.